The following is an entry in ClinVar:

NM_001111067.4(ACVR1):c.1509C>A (p.Asp503Glu)

Gene: ACVR1 (activin A receptor type 1; minus strand). Cytogenetic location: 2q24.1.
Variant type: single nucleotide variant.
Coding change: c.1509C>A on transcript NM_001111067.4 (MANE Select); coding-DNA position 1509, C replaced by A.
Protein change: p.Asp503Glu; replaces aspartic acid 503 with glutamic acid.
Molecular consequence: missense variant.
Genome position (GRCh38, 1-based): chr2:157,737,552, G>T on the plus strand (C>A on the coding strand, the complement: ACVR1 is on the minus strand). VCF-style: chr2-157737552-G-T. GRCh37 (hg19) VCF-style: chr2-158594064-G-T.
Other names: c.1509C>A, p.Asp503Glu (NM_001105.5, NM_001347663.1, NM_001347664.1 and 3 more transcripts); short protein forms D503E.
Identifiers: ClinVar variation 3675658 (VCV003675658.2).

ClinVar aggregate classification (germline): Uncertain significance (1 of 4 stars; one submission).

gnomAD v4.1: 2 of 1,614,032 alleles (0.00012%); highest among the groups gnomAD compares: African/African-American, 0.0027%; no homozygotes.

Submission:

Labcorp Genetics (formerly Invitae), Labcorp
Classification: Uncertain significance. Last evaluated: 2024-10-05. Review status: criteria provided, single submitter. Criteria: Invitae Variant Classification Sherloc (09022015). Collection method: clinical testing. Allele origin: germline.
Comment: This sequence change replaces aspartic acid, which is acidic and polar, with glutamic acid, which is acidic and polar, at codon 503 of the ACVR1 protein (p.Asp503Glu). This variant is not present in population databases (gnomAD no frequency). This variant has not been reported in the literature in individuals affected with ACVR1-related conditions. An algorithm developed to predict the effect of missense changes on protein structure and function (PolyPhen-2) suggests that this variant is likely to be tolerated. In summary, the available evidence is currently insufficient to determine the role of this variant in disease. Therefore, it has been classified as a Variant of Uncertain Significance.